The following is an entry in ClinVar:

NM_004974.4(KCNA2):c.765_773del (p.Met255_Ile257del)

Gene: KCNA2 (potassium voltage-gated channel subfamily A member 2; minus strand). Cytogenetic location: 1p13.3.
Variant type: Deletion.
Coding change: c.765_773del on transcript NM_004974.4 (MANE Select); coding-DNA positions 765 to 773, 9 bases deleted (GAACATCAT; older notation c.765_773delGAACATCAT).
Protein change: p.Met255_Ile257del.
Molecular consequence: inframe deletion.
Genome position (GRCh38, 1-based): chr1:110,604,010-110,604,018, ATGATGTTC deleted on the plus strand (GAACATCAT on the coding strand, the reverse complement: KCNA2 is on the minus strand); deleting any 9 consecutive bases within chr1:110,604,010-110,604,026 gives the same sequence; the c. name uses the placement nearest the transcript's 3' end. VCF-style (leftmost placement, unchanged base first): chr1-110604009-AATGATGTTC-A. GRCh37 (hg19) VCF-style: chr1-111146631-AATGATGTTC-A.
Other names: c.765_773del, p.Met255_Ile257del (NM_001204269.2); c.765_773delGAACATCAT (NM_004974.3).
Identifiers: ClinVar variation 1070041 (VCV001070041.10), dbSNP rs2101399429, ClinGen allele CA2499214111.

ClinVar aggregate classification (germline): Pathogenic. Review status: criteria provided, multiple submitters, no conflicts (2 of 4 stars). 2 submissions from 2 submitters: Pathogenic (2). Last evaluated 2023-07-17.

Conditions:
Developmental and epileptic encephalopathy, 32 (DEE32). Also called: Epileptic encephalopathy, early infantile, 32. Identifiers: Orphanet 442835, MedGen C4225350, MONDO:0014607, OMIM 616366.

Submissions (2):

Victorian Clinical Genetics Services, Murdoch Childrens Research Institute
Classification: Pathogenic for Developmental and epileptic encephalopathy, 32. Last evaluated: 2023-07-17. Review status: criteria provided, single submitter. Criteria: ACMG Guidelines, 2015. Collection method: clinical testing. Allele origin: germline. Inheritance: Autosomal dominant inheritance. Affected: yes.
Comment: Based on the classification scheme VCGS_Germline_v1.3.4, this variant is classified as Pathogenic. Following criteria are met: 0103 - Dominant negative, loss of function and gain of function are known mechanisms of disease in this gene and are all associated with developmental and epileptic encephalopathy 32 (MIM#616366). Some missense variants have been reported to have multiple mechanisms simultaneously (PMID: 33802230, 29050392). (I) 0107 - This gene is associated with autosomal dominant disease. (I) 0115 - Variants in this gene are known to have variable expressivity. Intrafamilial variability has been reported (PMID: 33802230). (I) 0213 - In-frame deletion in a non-repetitive region that has high conservation. (SP) 0251 - This variant is heterozygous. (I) 0301 - Variant is absent from gnomAD (both v2 and v3). (SP) 0600 - Variant is located in the annotated ion transport protein domain (DECIPHER). (I) 0803 - This variant has limited previous evidence of pathogenicity in an unrelated individual. This variant has been classified as pathogenic by a clinical laboratory in ClinVar. (SP) 0901 - This variant has strong evidence for segregation with disease. This variant has been observed to segregate in seven affected members of one family with episodic ataxia and epilepsy (PMID: 27733563). (SP) 1002 - Moderate functional evidence supporting abnormal protein function. Functional experiments have shown this variant results in loss of channel function (PMID: 27733563). However, patch clamp assays have been shown to be unreliable; therefore results from these studies are used with caution during variant classification. (I) 1208 - Inheritance information for this variant is not currently available in this individual. (I) Legend: (SP) - Supporting pathogenic, (I) - Information, (SB) - Supporting benign

Labcorp Genetics (formerly Invitae), Labcorp
Classification: Pathogenic for Developmental and epileptic encephalopathy, 32. Last evaluated: 2022-09-07. Review status: criteria provided, single submitter. Criteria: Invitae Variant Classification Sherloc (09022015). Collection method: clinical testing. Allele origin: germline.
Comment: For these reasons, this variant has been classified as Pathogenic. Experimental studies have shown that this variant affects KCNA2 function (PMID: 27733563). Algorithms developed to predict the effect of variants on protein structure and function are not available or were not evaluated for this variant. ClinVar contains an entry for this variant (Variation ID: 1070041). This variant has been observed in individual(s) with clinical features of autosomal dominant epileptic encephalopathies (PMID: 27733563). It has also been observed to segregate with disease in related individuals. This variant is not present in population databases (gnomAD no frequency). This variant, c.765_773del, results in the deletion of 3 amino acid(s) of the KCNA2 protein (p.Met255_Ile257del), but otherwise preserves the integrity of the reading frame.

Literature cited by the submitters: PubMed 27733563 (cited by Victorian Clinical Genetics Services, Murdoch Childrens Research Institute and Labcorp Genetics (formerly Invitae), Labcorp); PubMed 29050392 (cited by Victorian Clinical Genetics Services, Murdoch Childrens Research Institute); PubMed 33802230 (cited by Victorian Clinical Genetics Services, Murdoch Childrens Research Institute).